The following is an entry in ClinVar:

NM_001985.3(ETFB):c.622G>A (p.Val208Met)

Gene: ETFB (electron transfer flavoprotein subunit beta; minus strand). Cytogenetic location: 19q13.41.
Variant type: single nucleotide variant.
Coding change: c.622G>A on transcript NM_001985.3 (MANE Select); coding-DNA position 622, G replaced by A.
Protein change: p.Val208Met; replaces valine 208 with methionine.
Molecular consequence: missense variant.
Genome position (GRCh38, 1-based): chr19:51,345,357, C>T on the plus strand (G>A on the coding strand, the complement: ETFB is on the minus strand). VCF-style: chr19-51345357-C-T. GRCh37 (hg19) VCF-style: chr19-51848611-C-T.
Other names: c.895G>A, p.Val299Met (NM_001014763.1); short protein forms V299M, V208M.
Identifiers: ClinVar variation 2090391 (VCV002090391.4), dbSNP rs11559094, ClinGen allele CA309726505.
Genomic context (GRCh38, chr19:51,345,357, plus strand): 5'-CCACACTGATCACAGAGAGCTTGGAGGTCAGGTCCACACCCAGGTCCCCAGGCTTGATCA[C>T]CTCGATCTTCTTCTTCTTGGCTTTCTGCACATGGGAAGCCATTGTTCACAGGGCTGTGGA-3'
Protein context (NP_001976.1, residues 198-218): IMKAKKKKIE[Val208Met]IKPGDLGVDL

ClinVar aggregate classification (germline): Uncertain significance (1 of 4 stars; one submission).

Conditions:
Multiple acyl-CoA dehydrogenase deficiency (MADD). Also called: Glutaric Acidemia type 2; Glutaric acidemia type II; GA 2; Glutaric aciduria, type 2; ETHYLMALONIC-ADIPICACIDURIA; GA II. Identifiers: Orphanet 26791, MedGen C0268596, MONDO:0009282, OMIM 231680.

Submission:

Labcorp Genetics (formerly Invitae), Labcorp
Classification: Uncertain significance for Multiple acyl-CoA dehydrogenase deficiency. Last evaluated: 2022-02-08. Review status: criteria provided, single submitter. Criteria: Invitae Variant Classification Sherloc (09022015). Collection method: clinical testing. Allele origin: germline.
Comment: In summary, the available evidence is currently insufficient to determine the role of this variant in disease. Therefore, it has been classified as a Variant of Uncertain Significance. Algorithms developed to predict the effect of missense changes on protein structure and function (SIFT, PolyPhen-2, Align-GVGD) all suggest that this variant is likely to be tolerated. This variant has not been reported in the literature in individuals affected with ETFB-related conditions. This variant is not present in population databases (gnomAD no frequency). This sequence change replaces valine, which is neutral and non-polar, with methionine, which is neutral and non-polar, at codon 208 of the ETFB protein (p.Val208Met).